The following is an entry in ClinVar:

NM_000388.4(CASR):c.981C>G (p.Ile327Met)

Gene: CASR (calcium sensing receptor; plus strand). Cytogenetic location: 3q21.1.
Variant type: single nucleotide variant.
Coding change: c.981C>G on transcript NM_000388.4 (MANE Select); coding-DNA position 981, C replaced by G.
Protein change: p.Ile327Met; replaces isoleucine 327 with methionine.
Molecular consequence: missense variant.
Genome position (GRCh38, 1-based): chr3:122,262,016, C>G. VCF-style: chr3-122262016-C-G. GRCh37 (hg19) VCF-style: chr3-121980863-C-G.
Other names: c.981C>G, p.Ile327Met (NM_001178065.2); short protein forms I327M.
Identifiers: ClinVar variation 463962 (VCV000463962.10), dbSNP rs1240483254, ClinGen allele CA354151923.
Genomic context (GRCh38, chr3:122,262,016, plus strand): 5'-GCCTCAGTACTTCCACGTGGTTGGCGGCACCATTGGATTCGCTCTGAAGGCTGGGCAGAT[C>G]CCAGGCTTCCGGGAATTCCTGAAGAAGGTCCATCCCAGGAAGTCTGTCCACAATGGTTTT-3'
Protein context (NP_000379.3, residues 317-337): TIGFALKAGQ[Ile327Met]PGFREFLKKV

ClinVar aggregate classification (germline): Uncertain significance (1 of 4 stars; one submission).

Conditions:
Familial hypocalciuric hypercalcemia (FHH). Also called: Familial benign hypercalcemia. Identifiers: Orphanet 405, MedGen C1809471, MONDO:0018458.
Autosomal dominant hypocalcemia 1 (HYPOC1). Also called: HYPOCALCEMIA, FAMILIAL. Identifiers: MedGen C3715128, MONDO:0011013, OMIM 601198.

Submission:

Labcorp Genetics (formerly Invitae), Labcorp
Classification: Uncertain significance for Familial hypocalciuric hypercalcemia; Autosomal dominant hypocalcemia 1. Last evaluated: 2018-11-04. Review status: criteria provided, single submitter. Criteria: Invitae Variant Classification Sherloc (09022015). Collection method: clinical testing. Allele origin: germline.
Comment: This sequence change replaces isoleucine with methionine at codon 327 of the CASR protein (p.Ile327Met). The isoleucine residue is highly conserved and there is a small physicochemical difference between isoleucine and methionine. In summary, this variant is a novel missense change with uncertain impact on protein function. It has been classified as a Variant of Uncertain Significance. Algorithms developed to predict the effect of missense changes on protein structure and function do not agree on the potential impact of this missense change (SIFT: "Deleterious"; PolyPhen-2: "Possibly Damaging"; Align-GVGD: "Class C0"). This variant is not present in population databases (ExAC no frequency) and has not been reported in the literature in individuals with a CASR-related disease.